The following is an entry in ClinVar:

ClinVar aggregate classification (germline): Uncertain significance. Review status: criteria provided, multiple submitters, no conflicts (2 of 4 stars). 2 submissions from 2 submitters: Uncertain significance (2). Last evaluated 2024-09-10.

Conditions:
Progressive myoclonic epilepsy. Also called: Familial progressive myoclonic epilepsy; Myoclonic Epilepsies, Progressive; Myoclonus epilepsy; Progressive myoclonus epilepsy. Identifiers: Orphanet 308, Orphanet 98261, MedGen C0751778, MONDO:0020074.

Allele frequency attached by ClinVar (database versions not stated): TOPMed 0.00001; 1000 Genomes Project 0.00020; 1000 Genomes Project 30x 0.00031.
gnomAD v4.1: 17 of 1,614,136 alleles (0.0011%); highest among the groups gnomAD compares: African/African-American, 0.004%; no homozygotes.

Submissions (2):

GeneDx
Classification: Uncertain significance. Last evaluated: 2024-09-10. Review status: criteria provided, single submitter. Criteria: GeneDx Variant Classification Process June 2021. Collection method: clinical testing. Allele origin: germline. Affected: yes.
Comment: Not observed at significant frequency in large population cohorts (gnomAD); In silico analysis supports that this missense variant has a deleterious effect on protein structure/function; Has not been previously published as pathogenic or benign to our knowledge

Labcorp Genetics (formerly Invitae), Labcorp
Classification: Uncertain significance for Progressive myoclonic epilepsy. Last evaluated: 2022-02-20. Review status: criteria provided, single submitter. Criteria: Invitae Variant Classification Sherloc (09022015). Collection method: clinical testing. Allele origin: germline.
Comment: This sequence change replaces arginine, which is basic and polar, with glutamine, which is neutral and polar, at codon 101 of the GOSR2 protein (p.Arg101Gln). This variant is present in population databases (rs199504020, gnomAD 0.004%). This variant has not been reported in the literature in individuals affected with GOSR2-related conditions. Algorithms developed to predict the effect of missense changes on protein structure and function are either unavailable or do not agree on the potential impact of this missense change (SIFT: "Deleterious"; PolyPhen-2: "Benign"; Align-GVGD: "Class C35"). In summary, the available evidence is currently insufficient to determine the role of this variant in disease. Therefore, it has been classified as a Variant of Uncertain Significance.

NM_004287.5(GOSR2):c.302G>A (p.Arg101Gln)

Genes: GOSR2 (golgi SNAP receptor complex member 2; plus strand), LRRC37A2 (leucine rich repeat containing 37 member A2), LOC126862578 (BRD4-independent group 4 enhancer GRCh37_chr17:45008344-45009543; plus strand). Cytogenetic location: 17q21.32.
Variant type: single nucleotide variant.
Coding change: c.302G>A on transcript NM_004287.5 (MANE Select); coding-DNA position 302, G replaced by A.
Protein change: p.Arg101Gln; replaces arginine 101 with glutamine.
Molecular consequence: missense variant. On other transcripts: non-coding transcript variant (3).
Genome position (GRCh38, 1-based): chr17:46,932,165, G>A. VCF-style: chr17-46932165-G-A. GRCh37 (hg19) VCF-style: chr17-45009531-G-A.
Other names: c.302G>A, p.Arg101Gln (NM_001012511.3, NM_001321133.2, NM_001330252.2 and 1 more transcripts); c.248G>A, p.Arg83Gln (NM_001321134.2, NM_001363851.2); c.299G>A, p.Arg100Gln (NM_001353114.2, NM_001353115.2, NM_001353116.2); c.302G>A (NM_004287.3); short protein forms R101Q, R100Q, R83Q.
Identifiers: ClinVar variation 2186436 (VCV002186436.2), dbSNP rs199504020, ClinGen allele CA291198878.